The following is an entry in ClinVar:

NM_000257.4(MYH7):c.1888+5G>A

Gene: MYH7 (myosin heavy chain 7; minus strand). Cytogenetic location: 14q11.2.
Variant type: single nucleotide variant.
Coding change: c.1888+5G>A on transcript NM_000257.4 (MANE Select); 5 bases into the intron after coding-DNA position 1888, G replaced by A.
Molecular consequence: intron variant.
Genome position (GRCh38, 1-based): chr14:23,427,580, C>T on the plus strand (G>A on the coding strand, the complement: MYH7 is on the minus strand). VCF-style: chr14-23427580-C-T. GRCh37 (hg19) VCF-style: chr14-23896789-C-T.
Identifiers: ClinVar variation 1933264 (VCV001933264.5), dbSNP rs2502296249, ClinGen allele CA2580088022.
Genomic context (GRCh38, chr14:23,427,580, plus strand): 5'-GACCTGGCTCAGAACCTTGGCAGAATCCCTGCTCCTCTGTACCGGGAGCCTCAGTCCCTA[C>T]TTACGCGCATCAGCCCCAGCATAGTTGGCAAACAGGGTGCTGAGCAGCTTGAGGGAAGAC-3'

ClinVar aggregate classification (germline): Uncertain significance (1 of 4 stars; one submission).

Conditions:
Hypertrophic cardiomyopathy. Also called: HYPERTROPHIC MYOCARDIOPATHY. Identifiers: Orphanet 217569, MedGen C0007194, MeSH D002312, MONDO:0005045, HP:0001639.

Allele frequency attached by ClinVar (database versions not stated): gnomAD exomes below 0.00001.
gnomAD v4.1: 1 of 1,614,006 alleles (0.000062%); highest among the groups gnomAD compares: East Asian, 0.0022%; no homozygotes.

Submission:

Labcorp Genetics (formerly Invitae), Labcorp
Classification: Uncertain significance for Hypertrophic cardiomyopathy. Last evaluated: 2025-12-06. Review status: criteria provided, single submitter. Criteria: Invitae Variant Classification Sherloc (09022015). Collection method: clinical testing. Allele origin: germline.
Comment: This sequence change falls in intron 16 of the MYH7 gene. It does not directly change the encoded amino acid sequence of the MYH7 protein. It affects a nucleotide within the consensus splice site. This variant is not present in population databases (gnomAD no frequency). This variant has not been reported in the literature in individuals affected with MYH7-related conditions. ClinVar contains an entry for this variant (Variation ID: 1933264). Variants that disrupt the consensus splice site are a relatively common cause of aberrant splicing (PMID: 17576681, 9536098). Algorithms developed to predict the effect of sequence changes on RNA splicing suggest that this variant may disrupt the consensus splice site. In summary, the available evidence is currently insufficient to determine the role of this variant in disease. Therefore, it has been classified as a Variant of Uncertain Significance.

Literature cited by the submitters: PubMed 17576681; PubMed 9536098.